The following is an entry in ClinVar:

NM_001457.4(FLNB):c.4765A>G (p.Met1589Val)

Gene: FLNB (filamin B; plus strand). Cytogenetic location: 3p14.3.
Variant type: single nucleotide variant.
Coding change: c.4765A>G on transcript NM_001457.4 (MANE Select); coding-DNA position 4765, A replaced by G.
Protein change: p.Met1589Val; replaces methionine 1589 with valine.
Molecular consequence: missense variant.
Genome position (GRCh38, 1-based): chr3:58,136,072, A>G. VCF-style: chr3-58136072-A-G. GRCh37 (hg19) VCF-style: chr3-58121799-A-G.
Other names: c.4858A>G, p.Met1620Val (NM_001164317.2); c.4765A>G, p.Met1589Val (NM_001164318.2, NM_001164319.2); short protein forms M1589V, M1620V.
Identifiers: ClinVar variation 2877319 (VCV002877319.3), dbSNP rs2471165101, ClinGen allele CA353352117.

ClinVar aggregate classification (germline): Uncertain significance (1 of 4 stars; one submission).

Allele frequency attached by ClinVar (database versions not stated): gnomAD exomes 0.00001.

Submission:

Labcorp Genetics (formerly Invitae), Labcorp
Classification: Uncertain significance. Last evaluated: 2023-12-31. Review status: criteria provided, single submitter. Criteria: Invitae Variant Classification Sherloc (09022015). Collection method: clinical testing. Allele origin: germline.
Comment: This sequence change replaces methionine, which is neutral and non-polar, with valine, which is neutral and non-polar, at codon 1589 of the FLNB protein (p.Met1589Val). This variant is not present in population databases (gnomAD no frequency). This variant has not been reported in the literature in individuals affected with FLNB-related conditions. Advanced modeling of protein sequence and biophysical properties (such as structural, functional, and spatial information, amino acid conservation, physicochemical variation, residue mobility, and thermodynamic stability) performed at Invitae indicates that this missense variant is not expected to disrupt FLNB protein function with a negative predictive value of 95%. In summary, the available evidence is currently insufficient to determine the role of this variant in disease. Therefore, it has been classified as a Variant of Uncertain Significance.